The following is an entry in ClinVar:

ClinVar aggregate classification (germline): Pathogenic (1 of 4 stars; one submission).

Submission:

GeneDx
Classification: Pathogenic. Last evaluated: 2017-10-24. Review status: criteria provided, single submitter. Criteria: GeneDx Variant Classification (06012015). Collection method: clinical testing. Allele origin: germline. Affected: yes.
Comment: The c.2135_2136dupAC variant has not been published as a pathogenic variant, nor has it been reported as a benign variant to our knowledge. It causes a frameshift starting with codon Leucine 713, changes this amino acid to a Threonine residue and creates a premature Stop codon at position 36 of the new reading frame, denoted p.Leu713ThrfsX36. This variant is predicted to cause loss of normal protein function either through protein truncation or nonsense-mediated mRNA decay. The variant is not observed in large population cohorts (Lek et al., 2016). In summary, we consider this variant to be pathogenic.

NM_001042492.3(NF1):c.2135_2136dup (p.Leu713fs)

Gene: NF1 (neurofibromin 1; plus strand). Cytogenetic location: 17q11.2.
Variant type: Duplication.
Coding change: c.2135_2136dup on transcript NM_001042492.3 (MANE Select); coding-DNA positions 2135 to 2136, 2 bases duplicated (AC; older notation c.2135_2136dupAC).
Protein change: p.Leu713fs; shifts the reading frame from leucine 713.
Molecular consequence: frameshift variant.
Genome position (GRCh38, 1-based): chr17:31,226,568-31,226,569, AC duplicated; duplicating any 2 consecutive bases within chr17:31,226,567-31,226,569 gives the same sequence; the c. name uses the placement nearest the transcript's 3' end. VCF-style (leftmost placement, unchanged base first): chr17-31226566-C-CCA. GRCh37 (hg19) VCF-style: chr17-29553584-C-CCA.
Other names: c.2135_2136dupAC (NM_000267.3); c.2135_2136dup, p.Leu713Thrfs (NM_000267.4); short protein forms L713fs.
Identifiers: ClinVar variation 453012 (VCV000453012.1), dbSNP rs1555613810, ClinGen allele CA658656605.